The following is an entry in ClinVar:

NM_000135.4(FANCA):c.4070C>T (p.Ala1357Val)

Genes: FANCA (FA complementation group A; minus strand), ZNF276 (zinc finger protein 276; plus strand). Cytogenetic location: 16q24.3.
Variant type: single nucleotide variant.
Coding change: c.4070C>T on transcript NM_000135.4 (MANE Select); coding-DNA position 4070, C replaced by T.
Protein change: p.Ala1357Val; replaces alanine 1357 with valine.
Molecular consequence: missense variant. On other transcripts: 3 prime UTR variant (2), non-coding transcript variant (4).
Genome position (GRCh38, 1-based): chr16:89,739,230, G>A on the plus strand (C>T on the coding strand, the complement: FANCA is on the minus strand). VCF-style: chr16-89739230-G-A. GRCh37 (hg19) VCF-style: chr16-89805638-G-A.
Other names: c.4070C>T, p.Ala1357Val (NM_001286167.3); c.*984G>A (NM_001113525.2, NM_152287.4); short protein forms A1357V.
Identifiers: ClinVar variation 2704702 (VCV002704702.3), dbSNP rs2544079631, ClinGen allele CA397484531.
Genomic context (GRCh38, chr16:89,739,230, plus strand): 5'-GAAACTGTGCTTGTATCCCCAGCCACGAAGAGCTGGACCAGCTTCAAGTACATGTCCACA[G>A]CAACATGCAGGAAGGCCTCTTCCCTGATGGCCGCGTCTTCATGGAAGTAGGAGAGAAGAC-3'
Protein context (NP_000126.2, residues 1347-1367): AIREEAFLHV[Ala1357Val]VDMYLKLVQL

ClinVar aggregate classification (germline): Uncertain significance (1 of 4 stars; one submission).

Conditions:
Fanconi anemia (FA). Also called: Fanconi's anemia. Identifiers: Orphanet 84, MedGen C0015625, MeSH D005199, MONDO:0019391.

gnomAD v4.1: 1 of 1,614,174 alleles (0.000062%); highest among the groups gnomAD compares: Non-Finnish European, 0.000085%; no homozygotes.

Submission:

Labcorp Genetics (formerly Invitae), Labcorp
Classification: Uncertain significance for Fanconi anemia. Last evaluated: 2023-09-25. Review status: criteria provided, single submitter. Criteria: Invitae Variant Classification Sherloc (09022015). Collection method: clinical testing. Allele origin: germline.
Comment: This variant is not present in population databases (gnomAD no frequency). In summary, the available evidence is currently insufficient to determine the role of this variant in disease. Therefore, it has been classified as a Variant of Uncertain Significance. Advanced modeling of protein sequence and biophysical properties (such as structural, functional, and spatial information, amino acid conservation, physicochemical variation, residue mobility, and thermodynamic stability) performed at Invitae indicates that this missense variant is not expected to disrupt FANCA protein function. This variant has not been reported in the literature in individuals affected with FANCA-related conditions. This sequence change replaces alanine, which is neutral and non-polar, with valine, which is neutral and non-polar, at codon 1357 of the FANCA protein (p.Ala1357Val).